The following is an entry in ClinVar:

NM_000329.3(RPE65):c.858+1del

Gene: RPE65 (retinoid isomerohydrolase RPE65; minus strand). Cytogenetic location: 1p31.3.
Variant type: Deletion.
Coding change: c.858+1del on transcript NM_000329.3 (MANE Select); the canonical splice donor site of the intron after coding-DNA position 858, one base deleted (G; older notation c.858+1delG).
Molecular consequence: splice donor variant.
Genome position (GRCh38, 1-based): chr1:68,439,190, C deleted on the plus strand (G on the coding strand, the reverse complement: RPE65 is on the minus strand); the first of 5 consecutive C bases (chr1:68,439,190-68,439,194); deleting any one gives the same sequence. VCF-style (leftmost placement, unchanged base first): chr1-68439189-AC-A. GRCh37 (hg19) VCF-style: chr1-68904872-AC-A.
Other names: c.582+1del (NM_001406857.1, NM_001406856.1); c.750+1del (NM_001406853.1); c.858+1del (NM_001406859.1, NM_000329.2).
Identifiers: ClinVar variation 3240376 (VCV003240376.3), dbSNP rs1173011770.

ClinVar aggregate classification (germline): Pathogenic. Review status: criteria provided, multiple submitters, no conflicts (2 of 4 stars). 3 submissions from 3 submitters: Pathogenic (3). Last evaluated 2025-10-09.

Conditions:
Leber congenital amaurosis (LCA). Also called: Leber's amaurosis. Identifiers: Orphanet 65, MedGen C0339527, MeSH D057130, MONDO:0018998.
Leber congenital amaurosis 2 (LCA2). Also called: AMAUROSIS CONGENITA OF LEBER II; Autosomal Recessive RPE65-Related Retinal Degeneration. Identifiers: Orphanet 65, MedGen C1859844, MONDO:0008765, OMIM 204100. Disease mechanism: loss of function.
Retinitis pigmentosa 20 (RP20). Identifiers: Orphanet 791, MedGen C3151086, MONDO:0013425, OMIM 613794.
Retinitis pigmentosa 87 with choroidal involvement. Identifiers: MedGen C5231465, MONDO:0032873, OMIM 618697.

Submissions (3):

Natera, Inc.
Classification: Pathogenic for Leber congenital amaurosis. Last evaluated: 2025-10-09. Review status: criteria provided, single submitter. Criteria: Natera Variant Classification Schema (03/2026). Collection method: clinical testing. Allele origin: germline.
Comment: The c.858+1del variant in RPE65 is a canonical splice donor site variant predicted to affect pre-mRNA splicing, which may result in an abnormal transcript and altered protein product. This variant is expected to result in nonsense mediated decay, truncation, or a dysfunctional protein product. This variant is rare in the general population with a frequency below the threshold expected for the associated phenotype(s). This variant has been observed in one or more individuals affected with the associated recessive disease, as either homozygous or compound heterozygous with a second variant (PMID: 30996589). Additionally, this variant has been observed to segregate in affected family members (PMID: 30996589). Functional studies show that this variant may disrupt protein function (PMID: 30996589). Given the available evidence, this variant is classified as Pathogenic.

Fulgent Genetics
Classification: Pathogenic for Leber congenital amaurosis 2; Retinitis pigmentosa 20; Retinitis pigmentosa 87 with choroidal involvement. Last evaluated: 2024-02-07. Review status: criteria provided, single submitter. Criteria: ACMG Guidelines, 2015. Collection method: clinical testing. Allele origin: germline.

Baylor Genetics
Classification: Pathogenic for Leber congenital amaurosis 2. Last evaluated: 2024-01-19. Review status: criteria provided, single submitter. Criteria: ACMG Guidelines, 2015. Collection method: clinical testing. Allele origin: unknown.

Literature cited by the submitters: PubMed 30996589 (cited by Natera, Inc.).